The following is an entry in ClinVar:

NM_000257.4(MYH7):c.2776C>G (p.Leu926Val)

Gene: MYH7 (myosin heavy chain 7; minus strand). Cytogenetic location: 14q11.2.
Variant type: single nucleotide variant.
Coding change: c.2776C>G on transcript NM_000257.4 (MANE Select); coding-DNA position 2776, C replaced by G.
Protein change: p.Leu926Val; replaces leucine 926 with valine.
Molecular consequence: missense variant.
Genome position (GRCh38, 1-based): chr14:23,424,053, G>C on the plus strand (C>G on the coding strand, the complement: MYH7 is on the minus strand). VCF-style: chr14-23424053-G-C. GRCh37 (hg19) VCF-style: chr14-23893262-G-C.
Other names: short protein forms L926V.
Identifiers: ClinVar variation 946399 (VCV000946399.9), dbSNP rs575013686, ClinGen allele CA034272.
Genomic context (GRCh38, chr14:23,424,053, plus strand): 5'-CATCTTCCAGCTTGCGCTTCTTGGCAGTGAGCTCAGCATTCATCTCCTCCTCATCCTCCA[G>C]CCTCTCGTTCATCTCCTTCACCTTGGCCTCCAGCTGAATCTTGTTTTTGATCAGCTGATC-3'
Protein context (NP_000248.2, residues 916-936): EAKVKEMNER[Leu926Val]EDEEEMNAEL

ClinVar aggregate classification (germline): Uncertain significance. Review status: criteria provided, multiple submitters, no conflicts (2 of 4 stars). 2 submissions from 2 submitters: Uncertain significance (2). Last evaluated 2025-09-05.

Conditions:
Hypertrophic cardiomyopathy. Also called: HYPERTROPHIC MYOCARDIOPATHY. Identifiers: Orphanet 217569, MedGen C0007194, MeSH D002312, MONDO:0005045, HP:0001639.
Cardiovascular phenotype. Identifiers: MedGen CN230736.

Allele frequency attached by ClinVar (database versions not stated): TOPMed below 0.00001; gnomAD 0.00001; ExAC 0.00002; gnomAD exomes 0.00002; 1000 Genomes Project 0.00020; 1000 Genomes Project 30x 0.00031.
gnomAD v4.1: 24 of 1,614,200 alleles (0.0015%); highest among the groups gnomAD compares: South Asian, 0.025%; no homozygotes.

Submissions (2):

Labcorp Genetics (formerly Invitae), Labcorp
Classification: Uncertain significance for Hypertrophic cardiomyopathy. Last evaluated: 2025-09-05. Review status: criteria provided, single submitter. Criteria: Invitae Variant Classification Sherloc (09022015). Collection method: clinical testing. Allele origin: germline.
Comment: This sequence change replaces leucine, which is neutral and non-polar, with valine, which is neutral and non-polar, at codon 926 of the MYH7 protein (p.Leu926Val). This variant is present in population databases (rs575013686, gnomAD 0.01%). This missense change has been observed in individual(s) with hypertrophic cardiomyopathy (PMID: 27532257, 37652022). ClinVar contains an entry for this variant (Variation ID: 946399). Invitae Evidence Modeling of protein sequence and biophysical properties (such as structural, functional, and spatial information, amino acid conservation, physicochemical variation, residue mobility, and thermodynamic stability) has been performed for this missense variant. However, the output from this modeling did not meet the statistical confidence thresholds required to predict the impact of this variant on MYH7 protein function. In summary, the available evidence is currently insufficient to determine the role of this variant in disease. Therefore, it has been classified as a Variant of Uncertain Significance.

Ambry Genetics
Classification: Uncertain significance for Cardiovascular phenotype. Last evaluated: 2025-07-07. Review status: criteria provided, single submitter. Criteria: Ambry Variant Classification Scheme 2023. Collection method: clinical testing. Allele origin: germline.
Comment: The p.L926V variant (also known as c.2776C>G), located in coding exon 21 of the MYH7 gene, results from a C to G substitution at nucleotide position 2776. The leucine at codon 926 is replaced by valine, an amino acid with highly similar properties. This variant was reported in individual(s) with hypertrophic cardiomyopathy (Walsh R et al. Genet Med, 2017 Feb;19:192-203; Harper AR et al. Nat Genet, 2021 Feb;53:135-142; Koshy L et al. Indian J Med Res, 2023 Aug;158:119-135). This alteration is located in the myosin head domain, which contains a statistically significant clustering of pathogenic missense variants (Homburger JR et al. Proc Natl Acad Sci U S A, 2016 06;113:6701-6; Walsh R et al. Genet Med, 2017 02;19:192-203; Ambry internal data).This amino acid position is well conserved in available vertebrate species. In addition, this alteration is predicted to be tolerated by in silico analysis. Based on the available evidence, the clinical significance of this variant remains unclear.

Literature cited by the submitters: PubMed 27532257 (cited by Labcorp Genetics (formerly Invitae), Labcorp and Ambry Genetics); PubMed 37652022 (cited by Labcorp Genetics (formerly Invitae), Labcorp); PubMed 33495597 (cited by Ambry Genetics); PubMed 37787257 (cited by Ambry Genetics).